The following is an entry in ClinVar:

NC_000001.10:g.(?_243589709)_(243589880_?)del

Gene: SDCCAG8 (SHH signaling and ciliogenesis regulator SDCCAG8; plus strand). Cytogenetic location: 1q43.
Variant type: Deletion.
Identifiers: ClinVar variation 1439430 (VCV001439430.6).

ClinVar aggregate classification (germline): Uncertain significance (1 of 4 stars; one submission).

Conditions:
Senior-Loken syndrome 7 (SLSN7). Identifiers: Orphanet 3156, MedGen C3150877, MONDO:0013326, OMIM 613615.
Bardet-Biedl syndrome 16 (BBS16). Identifiers: Orphanet 110, MedGen C3889474, MONDO:0014444, OMIM 615993.

Submission:

Labcorp Genetics (formerly Invitae), Labcorp
Classification: Uncertain significance for Bardet-Biedl syndrome 16; Senior-Loken syndrome 7. Last evaluated: 2020-12-05. Review status: criteria provided, single submitter. Criteria: Invitae Variant Classification Sherloc (09022015). Collection method: clinical testing. Allele origin: germline.
Comment: In summary, the available evidence is currently insufficient to determine the role of this variant in disease. Therefore, it has been classified as a Variant of Uncertain Significance. Experimental studies and prediction algorithms are not available or were not evaluated, and the functional significance of this variant is currently unknown. This variant has not been reported in the literature in individuals with SDCCAG8-related conditions. This variant is a gross deletion of the genomic region encompassing exon(s) 16 of the SDCCAG8 gene. This variant would be expected to be in-frame, preserving the integrity of the reading frame.